The following is an entry in ClinVar:

NM_001040142.2(SCN2A):c.1835T>C (p.Phe612Ser)

Gene: SCN2A (sodium voltage-gated channel alpha subunit 2; plus strand). Cytogenetic location: 2q24.3.
Variant type: single nucleotide variant.
Coding change: c.1835T>C on transcript NM_001040142.2 (MANE Select); coding-DNA position 1835, T replaced by C.
Protein change: p.Phe612Ser; replaces phenylalanine 612 with serine.
Molecular consequence: missense variant.
Genome position (GRCh38, 1-based): chr2:165,323,319, T>C. VCF-style: chr2-165323319-T-C. GRCh37 (hg19) VCF-style: chr2-166179829-T-C.
Other names: p.F612S:TTC>TCC; c.1835T>C, p.Phe612Ser (NM_001040143.2, NM_001371246.1, NM_001371247.1 and 1 more transcripts); short protein forms F612S.
Identifiers: ClinVar variation 207065 (VCV000207065.2), dbSNP rs796053188, ClinGen allele CA318147.

ClinVar aggregate classification (germline): Uncertain significance (1 of 4 stars; one submission).

Allele frequency attached by ClinVar (database versions not stated): gnomAD exomes below 0.00001; TOPMed below 0.00001.

Submission:

GeneDx
Classification: Uncertain significance. Last evaluated: 2013-02-22. Review status: criteria provided, single submitter. Criteria: GeneDx Variant Classification (06012015). Collection method: clinical testing. Allele origin: germline. Affected: yes.
Comment: p.Phe612Ser (TTC>TCC): c.1835 T>C in exon 12 of the SCN2A gene (NM_021007.2). The Phe612Ser missense change has not been published as a mutation, nor has it been reported as a benign polymorphism to our knowledge. The NHLBI ESP Exome Variant Project has not identified Phe612Ser in approximately 6,500 individuals of European or African American ethnicity, indicating that it is not a common benign variant in these populations. The amino acid substitution is non-conservative as a non-polar Phenylalanine residue is replaced by a polar Serine residue. Phe612Ser alters a well conserved position in the intracellular loop between the first and second transmembrane domains of the protein, although a Serine residue has been seen in a vertebrate species. Another mutation in this loop (Asp649Asn) has been published in association with Dravet syndrome (Shi et al., 2012). However, while several in-silico algorithms predict Phe612Ser is damaging to the structure/function of the protein, another model predicts it may be non-pathogenic. Therefore, based on the currently available information, it is unclear whether Phe612Ser is a disease-causing mutation or a rare benign variant. The variant is found in EPILEPSY panel(s).